The following is an entry in ClinVar:

NM_001267550.2(TTN):c.31207+5G>A

Gene: TTN (titin; minus strand). Cytogenetic location: 2q31.2.
Variant type: single nucleotide variant.
Coding change: c.31207+5G>A on transcript NM_001267550.2 (MANE Select); 5 bases into the intron after coding-DNA position 31207, G replaced by A.
Molecular consequence: intron variant.
Genome position (GRCh38, 1-based): chr2:178,695,860, C>T on the plus strand (G>A on the coding strand, the complement: TTN is on the minus strand). VCF-style: chr2-178695860-C-T. GRCh37 (hg19) VCF-style: chr2-179560587-C-T.
Other names: c.13282+42222G>A (NM_003319.4); c.13858+42222G>A (NM_133437.4); c.13657+42222G>A (NM_133432.3); c.27475+5G>A (NM_133378.4); c.30256+5G>A (NM_001256850.1).
Identifiers: ClinVar variation 229414 (VCV000229414.14), dbSNP rs876658051, ClinGen allele CA10576544.
Genomic context (GRCh38, chr2:178,695,860, plus strand): 5'-GAAAATTTAATGAACTGAGCAAAAATGAAGAAAAGAGGGAAACAAGTCATTCAGTTTATA[C>T]ATACCTTCATAGACCTCCTTTTGAACTTGAATTACTTCCCTTTCTTGGTAAGCCTCTTCC-3'

ClinVar aggregate classification (germline): Uncertain significance. Review status: criteria provided, multiple submitters, no conflicts (2 of 4 stars). 8 submissions from 4 submitters: Uncertain significance (8). Last evaluated 2024-10-24.

Conditions:
Autosomal recessive limb-girdle muscular dystrophy type 2J (LGMDR10). Also called: MUSCULAR DYSTROPHY, LIMB-GIRDLE, AUTOSOMAL RECESSIVE 10; Limb-girdle muscular dystrophy, type 2J. Identifiers: Orphanet 140922, MedGen C1837342, MONDO:0012127, OMIM 608807.
Dilated cardiomyopathy 1G (CMD1G). Identifiers: Orphanet 154, MedGen C1858763, MONDO:0011400, OMIM 604145.
Tibial muscular dystrophy (TMD). Also called: Udd Distal Myopathy – Tibial Muscular Dystrophy; UDD MYOPATHY; Tibial muscular dystrophy, tardive. Identifiers: Orphanet 609, MedGen C1838244, MONDO:0010870, OMIM 600334.
Early-onset myopathy with fatal cardiomyopathy (CMYO5). Also called: CONGENITAL MYOPATHY 5 WITH CARDIOMYOPATHY; Salih Myopathy. Identifiers: Orphanet 289377, MedGen C2673677, MONDO:0012714, OMIM 611705. Disease mechanism: loss of function.
Myopathy, myofibrillar, 9, with early respiratory failure (MFM9). Also called: EDSTROM MYOPATHY; MYOPATHY, PROXIMAL, WITH EARLY RESPIRATORY MUSCLE INVOLVEMENT; Hereditary myopathy with early respiratory failure; Myopathy, distal, with early respiratory failure, autosomal dominant. Identifiers: Orphanet 178464, Orphanet 34521, MedGen C1863599, MONDO:0011362, OMIM 603689.
Hypertrophic cardiomyopathy 9. Also called: Familial hypertrophic cardiomyopathy 9. Identifiers: MedGen C1861065, MONDO:0013412, OMIM 613765.

Allele frequency attached by ClinVar (database versions not stated): gnomAD exomes below 0.00001; TOPMed 0.00001.
gnomAD v4.1: 3 of 1,440,994 alleles (0.00021%); highest among the groups gnomAD compares: African/African-American, 0.0029%; no homozygotes.

Submissions (8):

Labcorp Genetics (formerly Invitae), Labcorp
Classification: Uncertain significance for Dilated cardiomyopathy 1G; Autosomal recessive limb-girdle muscular dystrophy type 2J. Last evaluated: 2024-10-24. Review status: criteria provided, single submitter. Criteria: Invitae Variant Classification Sherloc (09022015). Collection method: clinical testing. Allele origin: germline.
Comment: This sequence change falls in intron 114 of the TTN gene. It does not directly change the encoded amino acid sequence of the TTN protein. It affects a nucleotide within the consensus splice site. This variant is not present in population databases (gnomAD no frequency). This variant has not been reported in the literature in individuals affected with TTN-related conditions. ClinVar contains an entry for this variant (Variation ID: 229414). Variants that disrupt the consensus splice site are a relatively common cause of aberrant splicing (PMID: 17576681, 9536098). Algorithms developed to predict the effect of sequence changes on RNA splicing suggest that this variant is not likely to affect RNA splicing. This variant is located in the I band of TTN (PMID: 25589632). Non-truncating variants in this region may be clinically relevant, but have not been definitively shown to cause cardiomyopathy or neuromuscular disease (PMID: 27493940, 32778822). In summary, the available evidence is currently insufficient to determine the role of this variant in disease. Therefore, it has been classified as a Variant of Uncertain Significance.

Fulgent Genetics
Classification: Uncertain significance for Tibial muscular dystrophy; Myopathy, myofibrillar, 9, with early respiratory failure; Dilated cardiomyopathy 1G; Autosomal recessive limb-girdle muscular dystrophy type 2J; Early-onset myopathy with fatal cardiomyopathy; Hypertrophic cardiomyopathy 9. Last evaluated: 2021-09-01. Review status: criteria provided, single submitter. Criteria: ACMG Guidelines, 2015. Collection method: clinical testing. Allele origin: unknown.

Illumina Laboratory Services, Illumina
Classification: Uncertain significance for Tibial muscular dystrophy. Last evaluated: 2018-01-12. Review status: criteria provided, single submitter. Criteria: ICSL Variant Classification Criteria 13 December 2019. Collection method: clinical testing. Allele origin: germline.

Illumina Laboratory Services, Illumina
Classification: Uncertain significance for Dilated cardiomyopathy 1G. Last evaluated: 2018-01-12. Review status: criteria provided, single submitter. Criteria: ICSL Variant Classification Criteria 13 December 2019. Collection method: clinical testing. Allele origin: germline.

Illumina Laboratory Services, Illumina
Classification: Uncertain significance for Early-onset myopathy with fatal cardiomyopathy. Last evaluated: 2018-01-12. Review status: criteria provided, single submitter. Criteria: ICSL Variant Classification Criteria 13 December 2019. Collection method: clinical testing. Allele origin: germline.

Illumina Laboratory Services, Illumina
Classification: Uncertain significance for Autosomal recessive limb-girdle muscular dystrophy type 2J. Last evaluated: 2018-01-12. Review status: criteria provided, single submitter. Criteria: ICSL Variant Classification Criteria 13 December 2019. Collection method: clinical testing. Allele origin: germline.

Illumina Laboratory Services, Illumina
Classification: Uncertain significance for Myopathy, myofibrillar, 9, with early respiratory failure. Last evaluated: 2018-01-12. Review status: criteria provided, single submitter. Criteria: ICSL Variant Classification Criteria 13 December 2019. Collection method: clinical testing. Allele origin: germline.

Laboratory for Molecular Medicine, Mass General Brigham Personalized Medicine
Classification: Uncertain significance. Last evaluated: 2015-04-02. Review status: criteria provided, single submitter. Criteria: LMM Criteria. Collection method: clinical testing. Allele origin: germline. Observed: 1 variant allele.
Comment: The c.27475+5G>A variant in TTN has not been previously reported in individuals with cardiomyopathy and was absent from large population studies. This variant i s located in the 5' splice region. Computational tools do not suggest a strong i mpact to splicing. However, this information is not predictive enough to rule ou t pathogenicity. In summary, the clinical significance of the c.27475+5G>A varia nt is uncertain.

Literature cited by the submitters: PubMed 17576681 (cited by Labcorp Genetics (formerly Invitae), Labcorp); PubMed 9536098 (cited by Labcorp Genetics (formerly Invitae), Labcorp); PubMed 25589632 (cited by Labcorp Genetics (formerly Invitae), Labcorp); PubMed 27493940 (cited by Labcorp Genetics (formerly Invitae), Labcorp); PubMed 32778822 (cited by Labcorp Genetics (formerly Invitae), Labcorp).